The following is an entry in ClinVar:

NM_001128840.3(CACNA1D):c.2590_2592del (p.Ser864del)

Gene: CACNA1D (calcium voltage-gated channel subunit alpha1 D; plus strand). Cytogenetic location: 3p21.1.
Variant type: Deletion.
Coding change: c.2590_2592del on transcript NM_001128840.3 (MANE Select); coding-DNA positions 2590 to 2592, 3 bases deleted (AGC; older notation c.2590_2592delAGC).
Protein change: p.Ser864del; deletes serine 864.
Molecular consequence: inframe deletion.
Genome position (GRCh38, 1-based): chr3:53,732,931-53,732,933, AGC deleted. VCF-style (leftmost placement, unchanged base first): chr3-53732930-GAGC-G. GRCh37 (hg19) VCF-style: chr3-53766957-GAGC-G.
Other names: c.2650_2652del, p.Ser884del (NM_000720.4); c.2590_2592del, p.Ser864del (NM_001128839.3); short protein forms S884del, S864del.
Identifiers: ClinVar variation 2748952 (VCV002748952.3), dbSNP rs2473798147, ClinGen allele CA2697556733.
Genomic context (GRCh38, chr3:53,732,930, plus strand): 5'-CCGTCCTCGAAGGATCTCGGAGTTGAACATGAAGGAAAAAATTGCCCCCATCCCTGAAGG[GAGC>G]GCTTTCTTCATTCTTAGCAAGACCAACCCGTAAATACTCCCCTTCTAGTCTCTCACGGCT-3'

ClinVar aggregate classification (germline): Uncertain significance (1 of 4 stars; one submission).

Submission:

Labcorp Genetics (formerly Invitae), Labcorp
Classification: Uncertain significance. Last evaluated: 2023-08-01. Review status: criteria provided, single submitter. Criteria: Invitae Variant Classification Sherloc (09022015). Collection method: clinical testing. Allele origin: germline.
Comment: This variant is not present in population databases (gnomAD no frequency). In summary, the available evidence is currently insufficient to determine the role of this variant in disease. Therefore, it has been classified as a Variant of Uncertain Significance. Experimental studies and prediction algorithms are not available or were not evaluated, and the functional significance of this variant is currently unknown. This variant has not been reported in the literature in individuals affected with CACNA1D-related conditions. This variant, c.2650_2652del, results in the deletion of 1 amino acid(s) of the CACNA1D protein (p.Ser884del), but otherwise preserves the integrity of the reading frame.